The following is an entry in ClinVar:

ClinVar aggregate classification (germline): Pathogenic/Likely pathogenic. Review status: criteria provided, multiple submitters, no conflicts (2 of 4 stars). 2 submissions from 2 submitters: Pathogenic (1); Likely pathogenic (1). Last evaluated 2024-02-23.

Conditions:
Joubert syndrome. Also called: CEREBELLOPARENCHYMAL DISORDER IV; JOUBERT-BOLTSHAUSER SYNDROME; Familial aplasia of the vermis. Identifiers: Orphanet 475, MedGen C5979921, MONDO:0018772.
Nephronophthisis. Also called: Juvenile Nephronophthisis. Identifiers: Orphanet 655, MedGen C0687120, MONDO:0019005, HP:0000090.
Meckel-Gruber syndrome. Also called: DYSENCEPHALIA SPLANCHNOCYSTICA; GRUBER SYNDROME; Dysencephalia splachnocystica. Identifiers: Orphanet 564, MedGen C0265215, MONDO:0018921.
Joubert syndrome 5 (JBTS5). Identifiers: Orphanet 2318, MedGen C1857780, MONDO:0012432, OMIM 610188.
Meckel syndrome, type 4 (MKS4). Also called: MECKEL-GRUBER SYNDROME, TYPE 4. Identifiers: Orphanet 564, MedGen C1970161, MONDO:0012626, OMIM 611134.
Senior-Loken syndrome 6 (SLSN6). Identifiers: Orphanet 3156, MedGen C1857779, MONDO:0012433, OMIM 610189.
Bardet-Biedl syndrome 14 (BBS14). Identifiers: Orphanet 110, MedGen C2673874, MONDO:0014442, OMIM 615991.
Leber congenital amaurosis 10 (LCA10). Identifiers: Orphanet 65, MedGen C1857821, MONDO:0012723, OMIM 611755.

Submissions (2):

Fulgent Genetics
Classification: Likely pathogenic for Joubert syndrome 5; Senior-Loken syndrome 6; Meckel syndrome, type 4; Leber congenital amaurosis 10; Bardet-Biedl syndrome 14. Last evaluated: 2024-02-23. Review status: criteria provided, single submitter. Criteria: ACMG Guidelines, 2015. Collection method: clinical testing. Allele origin: germline.

Labcorp Genetics (formerly Invitae), Labcorp
Classification: Pathogenic for Joubert syndrome; Meckel-Gruber syndrome; Nephronophthisis. Last evaluated: 2023-08-18. Review status: criteria provided, single submitter. Criteria: Invitae Variant Classification Sherloc (09022015). Collection method: clinical testing. Allele origin: germline.
Comment: For these reasons, this variant has been classified as Pathogenic. This sequence change creates a premature translational stop signal (p.Val758*) in the CEP290 gene. It is expected to result in an absent or disrupted protein product. Loss-of-function variants in CEP290 are known to be pathogenic (PMID: 16909394, 17345604, 20690115). This variant is not present in population databases (gnomAD no frequency). This variant has not been reported in the literature in individuals affected with CEP290-related conditions.

Literature cited by the submitters: PubMed 16909394 (cited by Labcorp Genetics (formerly Invitae), Labcorp); PubMed 17345604 (cited by Labcorp Genetics (formerly Invitae), Labcorp); PubMed 20690115 (cited by Labcorp Genetics (formerly Invitae), Labcorp).

NM_025114.4(CEP290):c.2268_2284del (p.Asn757_Val758insTer)

Gene: CEP290 (centrosomal protein 290; minus strand). Cytogenetic location: 12q21.32.
Variant type: Deletion.
Coding change: c.2268_2284del on transcript NM_025114.4 (MANE Select); coding-DNA positions 2268 to 2284, 17 bases deleted (AAATGTTGTTTTTAAAG).
Protein change: p.Asn757_Val758insTer.
Molecular consequence: frameshift variant.
Genome position (GRCh38, 1-based): chr12:88,111,285-88,111,301, CTTTAAAAACAACATTT deleted on the plus strand (AAATGTTGTTTTTAAAG on the coding strand, the reverse complement: CEP290 is on the minus strand). VCF-style (leftmost placement, unchanged base first): chr12-88111284-CCTTTAAAAACAACATTT-C. GRCh37 (hg19) VCF-style: chr12-88505061-CCTTTAAAAACAACATTT-C.
Identifiers: ClinVar variation 2951102 (VCV002951102.4), dbSNP rs2500742395, ClinGen allele CA2740092499.
Genomic context (GRCh38, chr12:88,111,284, plus strand): 5'-TCATTCTGAGAATTAATGATACTGGCACTAGATGGTGCTATCCCATCAGGTAAGTCAATT[CCTTTAAAAACAACATTT>C]GATCCTTCTGATTGTCGTAAAAGACTAGTTTCTTTTTCAAGATGGTCTATCTGGAAAAAA-3'